The following is an entry in ClinVar:

ClinVar aggregate classification (germline): Uncertain significance (1 of 4 stars; one submission).

Submission:

Labcorp Genetics (formerly Invitae), Labcorp
Classification: Uncertain significance. Last evaluated: 2022-03-19. Review status: criteria provided, single submitter. Criteria: Invitae Variant Classification Sherloc (09022015). Collection method: clinical testing. Allele origin: germline.
Comment: In summary, the available evidence is currently insufficient to determine the role of this variant in disease. Therefore, it has been classified as a Variant of Uncertain Significance. Algorithms developed to predict the effect of missense changes on protein structure and function output the following: SIFT: "Deleterious"; PolyPhen-2: "Probably Damaging"; Align-GVGD: "Class C0". The alanine amino acid residue is found in multiple mammalian species, which suggests that this missense change does not adversely affect protein function. This variant has not been reported in the literature in individuals affected with CEP78-related conditions. This variant is not present in population databases (gnomAD no frequency). This sequence change replaces valine, which is neutral and non-polar, with alanine, which is neutral and non-polar, at codon 309 of the CEP78 protein (p.Val309Ala).

NM_001330691.3(CEP78):c.926T>C (p.Val309Ala)

Gene: CEP78 (centrosomal protein 78; plus strand). Cytogenetic location: 9q21.2.
Variant type: single nucleotide variant.
Coding change: c.926T>C on transcript NM_001330691.3 (MANE Select); coding-DNA position 926, T replaced by C.
Protein change: p.Val309Ala; replaces valine 309 with alanine.
Molecular consequence: missense variant.
Genome position (GRCh38, 1-based): chr9:78,248,324, T>C. VCF-style: chr9-78248324-T-C. GRCh37 (hg19) VCF-style: chr9-80863240-T-C.
Other names: c.926T>C, p.Val309Ala (NM_001098802.3, NM_001330693.3, NM_001330694.2 and 4 more transcripts); short protein forms V309A.
Identifiers: ClinVar variation 1373097 (VCV001373097.6), dbSNP rs2118244089, ClinGen allele CA373856772.